The following is an entry in ClinVar:

NM_014804.3(KIAA0753):c.2002C>T (p.Gln668Ter)

Gene: KIAA0753 (KIAA0753; minus strand). Cytogenetic location: 17p13.1.
Variant type: single nucleotide variant.
Coding change: c.2002C>T on transcript NM_014804.3 (MANE Select); coding-DNA position 2002, C replaced by T.
Protein change: p.Gln668Ter; replaces glutamine 668 with a stop codon.
Molecular consequence: nonsense. On other transcripts: non-coding transcript variant (3).
Genome position (GRCh38, 1-based): chr17:6,606,880, G>A on the plus strand (C>T on the coding strand, the complement: KIAA0753 is on the minus strand). VCF-style: chr17-6606880-G-A. GRCh37 (hg19) VCF-style: chr17-6510200-G-A.
Other names: c.1105C>T, p.Gln369Ter (NM_001351225.2); short protein forms Q668*, Q369*.
Identifiers: ClinVar variation 2877164 (VCV002877164.4), dbSNP rs2544388437, ClinGen allele CA397407352.

ClinVar aggregate classification (germline): Pathogenic/Likely pathogenic. Review status: criteria provided, multiple submitters, no conflicts (2 of 4 stars). 2 submissions from 2 submitters: Pathogenic (1); Likely pathogenic (1). Last evaluated 2024-07-08.

Conditions:
KIAA0753-related disorder.

Allele frequency attached by ClinVar (database versions not stated): gnomAD exomes below 0.00001.
gnomAD v4.1: 6 of 1,612,862 alleles (0.00037%); highest among the groups gnomAD compares: Non-Finnish European, 0.00051%; no homozygotes.

Submissions (2):

Labcorp Genetics (formerly Invitae), Labcorp
Classification: Pathogenic. Last evaluated: 2024-07-08. Review status: criteria provided, single submitter. Criteria: Invitae Variant Classification Sherloc (09022015). Collection method: clinical testing. Allele origin: germline.
Comment: This sequence change creates a premature translational stop signal (p.Gln668*) in the KIAA0753 gene. It is expected to result in an absent or disrupted protein product. Loss-of-function variants in KIAA0753 are known to be pathogenic (PMID: 29138412). This variant is not present in population databases (gnomAD no frequency). This variant has not been reported in the literature in individuals affected with KIAA0753-related conditions. For these reasons, this variant has been classified as Pathogenic.

Blueprint Genetics
Classification: Likely pathogenic for KIAA0753-related disorders. Last evaluated: 2023-05-15. Review status: criteria provided, single submitter. Criteria: ACMG Guidelines, 2015. Collection method: clinical testing. Allele origin: germline. Affected: yes. Observed: 3 variant alleles.

Literature cited by the submitters: PubMed 29138412 (cited by Labcorp Genetics (formerly Invitae), Labcorp).